The following is an entry in ClinVar:

NM_032119.4(ADGRV1):c.16139del (p.Leu5380fs)

Gene: ADGRV1 (adhesion G protein-coupled receptor V1; plus strand). Cytogenetic location: 5q14.3.
Variant type: Deletion.
Coding change: c.16139del on transcript NM_032119.4 (MANE Select); coding-DNA position 16139, one base deleted (T; older notation c.16139delT).
Protein change: p.Leu5380fs; shifts the reading frame from leucine 5380.
Molecular consequence: frameshift variant. On other transcripts: non-coding transcript variant (1).
Genome position (GRCh38, 1-based): chr5:90,815,679, T deleted. VCF-style (leftmost placement, unchanged base first): chr5-90815678-CT-C. GRCh37 (hg19) VCF-style: chr5-90111495-CT-C.
Other names: short protein forms L5380fs.
Identifiers: ClinVar variation 2694145 (VCV002694145.3), dbSNP rs2532227148, ClinGen allele CA2697546367.
Genomic context (GRCh38, chr5:90,815,678, plus strand): 5'-GGGAGTGACCTTCACAATGGCATCATAGGATTCAGTGAGGAGTCCCAGAGTGGACTAGAA[CT>C]CAGGGAAGGAGCTGTTATGAGAAGATTGCACCTTATTGTCACAAGACAGCCAAACAGGTA-3'

ClinVar aggregate classification (germline): Pathogenic (1 of 4 stars; one submission).

Submission:

Labcorp Genetics (formerly Invitae), Labcorp
Classification: Pathogenic. Last evaluated: 2023-11-07. Review status: criteria provided, single submitter. Criteria: Invitae Variant Classification Sherloc (09022015). Collection method: clinical testing. Allele origin: germline.
Comment: This sequence change creates a premature translational stop signal (p.Leu5380Profs*7) in the ADGRV1 gene. It is expected to result in an absent or disrupted protein product. Loss-of-function variants in ADGRV1 are known to be pathogenic (PMID: 19357117, 22135276, 22147658, 26226137, 30718709, 31047384, 32467589). This variant is not present in population databases (gnomAD no frequency). This variant has not been reported in the literature in individuals affected with ADGRV1-related conditions. For these reasons, this variant has been classified as Pathogenic.

Literature cited by the submitters: PubMed 19357117; PubMed 22135276; PubMed 22147658; PubMed 26226137; PubMed 30718709; PubMed 31047384; PubMed 32467589.